The following is an entry in ClinVar:

ClinVar aggregate classification (germline): Uncertain significance (1 of 4 stars; one submission).

Conditions:
MOGS-congenital disorder of glycosylation. Also called: CDG IIb; MOGS-CDG; GLUCOSIDASE I DEFICIENCY; CDG 2B. Identifiers: Orphanet 79330, MedGen C1853736, MONDO:0011629, OMIM 606056.

Allele frequency attached by ClinVar (database versions not stated): gnomAD exomes below 0.00001; TOPMed 0.00001; gnomAD 0.00002; ExAC 0.00008.

Submission:

Labcorp Genetics (formerly Invitae), Labcorp
Classification: Uncertain significance for MOGS-congenital disorder of glycosylation. Last evaluated: 2018-11-17. Review status: criteria provided, single submitter. Criteria: Invitae Variant Classification Sherloc (09022015). Collection method: clinical testing. Allele origin: germline.
Comment: In summary, the available evidence is currently insufficient to determine the role of this variant in disease. Therefore, it has been classified as a Variant of Uncertain Significance. Algorithms developed to predict the effect of missense changes on protein structure and function output the following: SIFT: "Tolerated"; PolyPhen-2: "Probably Damaging"; Align-GVGD: "Class C0". The serine amino acid residue is found in multiple mammalian species, suggesting that this missense change does not adversely affect protein function. These predictions have not been confirmed by published functional studies and their clinical significance is uncertain. This variant has not been reported in the literature in individuals with MOGS-related disease. While this variant is present in population databases (rs774950414), the frequency information is unreliable, as metrics indicate poor data quality at this position in the ExAC database. This sequence change replaces glycine with serine at codon 32 of the MOGS protein (p.Gly32Ser). The glycine residue is weakly conserved and there is a small physicochemical difference between glycine and serine.

NM_006302.3(MOGS):c.94G>A (p.Gly32Ser)

Genes: MOGS (mannosyl-oligosaccharide glucosidase; minus strand), LOC129934128 (ATAC-STARR-seq lymphoblastoid silent region 11664; plus strand). Cytogenetic location: 2p13.1.
Variant type: single nucleotide variant.
Coding change: c.94G>A on transcript NM_006302.3 (MANE Select); coding-DNA position 94, G replaced by A.
Protein change: p.Gly32Ser; replaces glycine 32 with serine.
Molecular consequence: missense variant. On other transcripts: intron variant (1).
Genome position (GRCh38, 1-based): chr2:74,465,154, C>T on the plus strand (G>A on the coding strand, the complement: MOGS is on the minus strand). VCF-style: chr2-74465154-C-T. GRCh37 (hg19) VCF-style: chr2-74692281-C-T.
Other names: c.94G>A, p.Gly32Ser (LRG_1226t1); c.-59+160G>A (NM_001146158.2); short protein forms G32S.
Identifiers: ClinVar variation 639963 (VCV000639963.9), dbSNP rs774950414, ClinGen allele CA1725115.